The following is an entry in ClinVar:

ClinVar aggregate classification (germline): Uncertain significance (1 of 4 stars; one submission).

Conditions:
Bloom syndrome (BLM). Also called: Bloom-Torre-Machacek syndrome. Identifiers: Orphanet 125, MedGen C0005859, MONDO:0008876, OMIM 210900.

Submission:

Labcorp Genetics (formerly Invitae), Labcorp
Classification: Uncertain significance for Bloom syndrome. Last evaluated: 2025-08-06. Review status: criteria provided, single submitter. Criteria: Invitae Variant Classification Sherloc (09022015). Collection method: clinical testing. Allele origin: germline.
Comment: This sequence change replaces threonine, which is neutral and polar, with serine, which is neutral and polar, at codon 742 of the BLM protein (p.Thr742Ser). This variant is not present in population databases (gnomAD no frequency). This variant has not been reported in the literature in individuals affected with BLM-related conditions. ClinVar contains an entry for this variant (Variation ID: 665463). Invitae Evidence Modeling of protein sequence and biophysical properties (such as structural, functional, and spatial information, amino acid conservation, physicochemical variation, residue mobility, and thermodynamic stability) indicates that this missense variant is not expected to disrupt BLM protein function with a negative predictive value of 80%. In summary, the available evidence is currently insufficient to determine the role of this variant in disease. Therefore, it has been classified as a Variant of Uncertain Significance.

NM_000057.4(BLM):c.2224A>T (p.Thr742Ser)

Gene: BLM (BLM RecQ like helicase; plus strand). Cytogenetic location: 15q26.1.
Variant type: single nucleotide variant.
Coding change: c.2224A>T on transcript NM_000057.4 (MANE Select); coding-DNA position 2224, A replaced by T.
Protein change: p.Thr742Ser; replaces threonine 742 with serine.
Molecular consequence: missense variant.
Genome position (GRCh38, 1-based): chr15:90,766,940, A>T. VCF-style: chr15-90766940-A-T. GRCh37 (hg19) VCF-style: chr15-91310170-A-T.
Other names: c.2224A>T, p.Thr742Ser (NM_001287246.2, NM_001287247.2); c.1099A>T, p.Thr367Ser (NM_001287248.2); short protein forms T742S, T367S.
Identifiers: ClinVar variation 665463 (VCV000665463.9), dbSNP rs1596235858, ClinGen allele CA393844827.
Genomic context (GRCh38, chr15:90,766,940, plus strand): 5'-ATTGAAATTGTTTACTACTTTTATACTTAGATTCCAGCTACATATCTGACAGGTGATAAG[A>T]CTGACTCAGAAGCTACAAATATTTACCTCCAGTTATCAAAAAAAGACCCAATCATAAAAC-3'
Protein context (NP_000048.1, residues 732-752): IPATYLTGDK[Thr742Ser]DSEATNIYLQ